The following is an entry in ClinVar:

ClinVar aggregate classification (germline): Uncertain significance (1 of 4 stars; one submission).

Conditions:
Costello syndrome (CSTLO). Also called: HRAS-Related Costello Syndrome; FACIOCUTANEOSKELETAL SYNDROME; FCS SYNDROME. Identifiers: Orphanet 3071, MedGen C0587248, MONDO:0009026, OMIM 218040.

Allele frequency attached by ClinVar (database versions not stated): gnomAD exomes below 0.00001; gnomAD 0.00001.
gnomAD v4.1: 2 of 1,613,752 alleles (0.00012%); highest among the groups gnomAD compares: Non-Finnish European, 0.00017%; no homozygotes.

Submission:

Labcorp Genetics (formerly Invitae), Labcorp
Classification: Uncertain significance for Costello syndrome. Last evaluated: 2025-07-14. Review status: criteria provided, single submitter. Criteria: Invitae Variant Classification Sherloc (09022015). Collection method: clinical testing. Allele origin: germline.
Comment: This sequence change replaces proline, which is neutral and non-polar, with leucine, which is neutral and non-polar, at codon 110 of the HRAS protein (p.Pro110Leu). This variant is present in population databases (no rsID available, gnomAD 0.007%). This variant has not been reported in the literature in individuals affected with HRAS-related conditions. ClinVar contains an entry for this variant (Variation ID: 1063136). Invitae Evidence Modeling of protein sequence and biophysical properties (such as structural, functional, and spatial information, amino acid conservation, physicochemical variation, residue mobility, and thermodynamic stability) indicates that this missense variant is expected to disrupt HRAS protein function with a positive predictive value of 80%. In summary, the available evidence is currently insufficient to determine the role of this variant in disease. Therefore, it has been classified as a Variant of Uncertain Significance.

NM_005343.4(HRAS):c.329C>T (p.Pro110Leu)

Genes: HRAS (HRas proto-oncogene, GTPase; minus strand), LRRC56 (leucine rich repeat containing 56; plus strand). Cytogenetic location: 11p15.5.
Variant type: single nucleotide variant.
Coding change: c.329C>T on transcript NM_005343.4 (MANE Select); coding-DNA position 329, C replaced by T.
Protein change: p.Pro110Leu; replaces proline 110 with leucine.
Molecular consequence: missense variant.
Genome position (GRCh38, 1-based): chr11:533,574, G>A on the plus strand (C>T on the coding strand, the complement: HRAS is on the minus strand). VCF-style: chr11-533574-G-A. GRCh37 (hg19) VCF-style: chr11-533574-G-A.
Other names: c.329C>T, p.Pro110Leu (NM_001130442.3, NM_176795.5); c.10C>T, p.Pro4Ser (NM_001318054.2); short protein forms P110L, P4S.
Identifiers: ClinVar variation 1063136 (VCV001063136.9), dbSNP rs1204223913, ClinGen allele CA378923623.